The following is an entry in ClinVar:

ClinVar aggregate classification (germline): Uncertain significance (1 of 4 stars; one submission).

Conditions:
Joubert syndrome. Also called: CEREBELLOPARENCHYMAL DISORDER IV; JOUBERT-BOLTSHAUSER SYNDROME; Familial aplasia of the vermis. Identifiers: Orphanet 475, MedGen C5979921, MONDO:0018772.
Meckel-Gruber syndrome. Also called: DYSENCEPHALIA SPLANCHNOCYSTICA; GRUBER SYNDROME; Dysencephalia splachnocystica. Identifiers: Orphanet 564, MedGen C0265215, MONDO:0018921.

Allele frequency attached by ClinVar (database versions not stated): gnomAD exomes below 0.00001.
gnomAD v4.1: 7 of 1,613,998 alleles (0.00043%); highest among the groups gnomAD compares: Middle Eastern, 0.066%; no homozygotes.

Submission:

Labcorp Genetics (formerly Invitae), Labcorp
Classification: Uncertain significance for Joubert syndrome; Meckel-Gruber syndrome. Last evaluated: 2025-06-12. Review status: criteria provided, single submitter. Criteria: Invitae Variant Classification Sherloc (09022015). Collection method: clinical testing. Allele origin: germline.
Comment: This sequence change replaces proline, which is neutral and non-polar, with leucine, which is neutral and non-polar, at codon 948 of the RPGRIP1L protein (p.Pro948Leu). This variant is not present in population databases (gnomAD no frequency). This variant has not been reported in the literature in individuals affected with RPGRIP1L-related conditions. ClinVar contains an entry for this variant (Variation ID: 1423369). Invitae Evidence Modeling of protein sequence and biophysical properties (such as structural, functional, and spatial information, amino acid conservation, physicochemical variation, residue mobility, and thermodynamic stability) indicates that this missense variant is not expected to disrupt RPGRIP1L protein function with a negative predictive value of 80%. In summary, the available evidence is currently insufficient to determine the role of this variant in disease. Therefore, it has been classified as a Variant of Uncertain Significance.

NM_015272.5(RPGRIP1L):c.2843C>T (p.Pro948Leu)

Gene: RPGRIP1L (RPGRIP1 like; minus strand). Cytogenetic location: 16q12.2.
Variant type: single nucleotide variant.
Coding change: c.2843C>T on transcript NM_015272.5 (MANE Select); coding-DNA position 2843, C replaced by T.
Protein change: p.Pro948Leu; replaces proline 948 with leucine.
Molecular consequence: missense variant.
Genome position (GRCh38, 1-based): chr16:53,641,316, G>A on the plus strand (C>T on the coding strand, the complement: RPGRIP1L is on the minus strand). VCF-style: chr16-53641316-G-A. GRCh37 (hg19) VCF-style: chr16-53675228-G-A.
Other names: c.2843C>T, p.Pro948Leu (NM_001127897.4, NM_001308334.3, NM_001330538.2); short protein forms P948L.
Identifiers: ClinVar variation 1423369 (VCV001423369.8), dbSNP rs561327446, ClinGen allele CA281372335.